The following is an entry in ClinVar:

ClinVar aggregate classification (germline): Likely benign (1 of 4 stars; one submission).

Conditions:
SH2B1-related disorder. Also called: SH2B1-related condition.

Submission:

PreventionGenetics, part of Exact Sciences
Classification: Likely benign for SH2B1-related condition. Last evaluated: 2025-09-03. Review status: criteria provided, single submitter. Criteria: ACMG Guidelines, 2015. Collection method: clinical testing. Allele origin: germline.
Comment: This variant is classified as likely benign based on ACMG/AMP sequence variant interpretation guidelines (Richards et al. 2015 PMID: 25741868, with internal and published modifications).

NM_001387430.1(SH2B1):c.303T>A (p.Ile101=)

Gene: SH2B1 (SH2B adaptor protein 1; plus strand). Cytogenetic location: 16p11.2.
Variant type: single nucleotide variant.
Coding change: c.303T>A on transcript NM_001387430.1 (MANE Select); coding-DNA position 303, T replaced by A.
Protein change: p.Ile101=; no amino-acid change (isoleucine 101 retained).
Molecular consequence: synonymous variant. On other transcripts: intron variant (1).
Genome position (GRCh38, 1-based): chr16:28,866,397, T>A. VCF-style: chr16-28866397-T-A. GRCh37 (hg19) VCF-style: chr16-28877718-T-A.
Other names: c.303T>A, p.Ile101= (NM_001145795.2, NM_001145796.2, NM_001145797.2 and 4 more transcripts); c.-26-977T>A (NM_001308294.2).
Identifiers: ClinVar variation 4996462 (VCV004996462.1).